The following is an entry in ClinVar:

ClinVar aggregate classification (germline): Conflicting classifications of pathogenicity. Review status: criteria provided, conflicting classifications (1 of 4 stars). 2 submissions from 2 submitters: Likely pathogenic (1); Uncertain significance (1). Last evaluated 2025-10-07.

Conditions:
Developmental and epileptic encephalopathy, 78. Also called: EPILEPTIC ENCEPHALOPATHY, EARLY INFANTILE, 78. Identifiers: MedGen C5231409, MONDO:0032812, OMIM 618557.

Submissions (2):

Labcorp Genetics (formerly Invitae), Labcorp
Classification: Uncertain significance. Last evaluated: 2025-10-07. Review status: criteria provided, single submitter. Criteria: Invitae Variant Classification Sherloc (09022015). Collection method: clinical testing. Allele origin: germline.
Comment: This sequence change replaces methionine, which is neutral and non-polar, with valine, which is neutral and non-polar, at codon 263 of the GABRA2 protein (p.Met263Val). This variant is not present in population databases (gnomAD no frequency). This missense change has been observed in individual(s) with GABRA2-related conditions (internal data). ClinVar contains an entry for this variant (Variation ID: 3254673). An algorithm developed to predict the effect of missense changes on protein structure and function (PolyPhen-2) suggests that this variant is likely to be disruptive. This variant disrupts the p.Met263 amino acid residue in GABRA2. Other variant(s) that disrupt this residue have been determined to be pathogenic (PMID: 31032849). This suggests that this residue is clinically significant, and that variants that disrupt this residue are likely to be disease-causing. In summary, the available evidence is currently insufficient to determine the role of this variant in disease. Therefore, it has been classified as a Variant of Uncertain Significance.

Victorian Clinical Genetics Services, Murdoch Childrens Research Institute
Classification: Likely pathogenic for Developmental and epileptic encephalopathy, 78. Last evaluated: 2024-09-21. Review status: criteria provided, single submitter. Criteria: ACMG Guidelines, 2015. Collection method: clinical testing. Allele origin: germline. Inheritance: Autosomal dominant inheritance. Affected: yes.
Comment: Based on the classification scheme VCGS_Germline_v1.3.4, this variant is classified as Likely Pathogenic. Following criteria are met: 0105 - The mechanism of disease for this gene is not clearly established. Functional studies on several missense variants have shown a significant reduction in GABA-induced current amplitudes and reduced protein levels and expression at the cell surface suggesting loss of function. However, dominant negative has not been ruled out and another study suggested the variant channels may be trapped in the open state, which could indicate a gain of function mechanism (PMID: 29961870, 31032849). (I) 0107 - This gene is associated with autosomal dominant disease. (I) 0200 - Variant is predicted to result in a missense amino acid change from methionine to valine. (I) 0251 - This variant is heterozygous. (I) 0301 - Variant is absent from gnomAD (both v2 and v3). (SP) 0501 - Missense variant consistently predicted to be damaging by multiple in silico tools or highly conserved with a major amino acid change. (SP) 0600 - Variant is located in the annotated neurotransmitter-gated ion-channel transmembrane region (DECIPHER). (I) 0704 - Another missense variant comparable to the one identified in this case has limited previous evidence for pathogenicity. (SP) 0807 - This variant has no previous evidence of pathogenicity. (I) 0905 - No published segregation evidence has been identified for this variant. (I) 1007 - No published functional evidence has been identified for this variant. (SP) Legend: (SP) - Supporting pathogenic, (I) - Information, (SB) - Supporting benign

Literature cited by the submitters: PubMed 31032849 (cited by Labcorp Genetics (formerly Invitae), Labcorp and Victorian Clinical Genetics Services, Murdoch Childrens Research Institute); PubMed 29961870 (cited by Victorian Clinical Genetics Services, Murdoch Childrens Research Institute).

NM_000807.4(GABRA2):c.787A>G (p.Met263Val)

Gene: GABRA2 (gamma-aminobutyric acid type A receptor subunit alpha2; minus strand). Cytogenetic location: 4p12.
Variant type: single nucleotide variant.
Coding change: c.787A>G on transcript NM_000807.4 (MANE Select); coding-DNA position 787, A replaced by G.
Protein change: p.Met263Val; replaces methionine 263 with valine.
Molecular consequence: missense variant.
Genome position (GRCh38, 1-based): chr4:46,303,529, T>C on the plus strand (A>G on the coding strand, the complement: GABRA2 is on the minus strand). VCF-style: chr4-46303529-T-C. GRCh37 (hg19) VCF-style: chr4-46305546-T-C.
Other names: c.787A>G, p.Met263Val (NM_001114175.3, NM_001330690.2, NM_001377144.1 and 8 more transcripts); c.622A>G, p.Met208Val (NM_001286827.3, NM_001377152.1, NM_001377153.1 and 1 more transcripts); short protein forms M208V, M263V.
Identifiers: ClinVar variation 3254673 (VCV003254673.3), dbSNP rs2475627246.